The following is an entry in ClinVar:

NM_001737.5(C9):c.979C>T (p.Pro327Ser)

Gene: C9 (complement C9; minus strand). Cytogenetic location: 5p13.1.
Variant type: single nucleotide variant.
Coding change: c.979C>T on transcript NM_001737.5 (MANE Select); coding-DNA position 979, C replaced by T.
Protein change: p.Pro327Ser; replaces proline 327 with serine.
Molecular consequence: missense variant.
Genome position (GRCh38, 1-based): chr5:39,311,269, G>A on the plus strand (C>T on the coding strand, the complement: C9 is on the minus strand). VCF-style: chr5-39311269-G-A. GRCh37 (hg19) VCF-style: chr5-39311371-G-A.
Other names: short protein forms P327S.
Identifiers: ClinVar variation 2184829 (VCV002184829.4), dbSNP rs189914025, ClinGen allele CA3246835.
Genomic context (GRCh38, chr5:39,311,269, plus strand): 5'-TGTAGTGAGTTCCATAGGTTTCCAAAAAGGCAAAATATTCTCCCTTTTCATAGGTAGTTG[G>A]CAAAGCTTTTATATCATCCACAAAAGTTGTTGTGAGCACAACATCGCGATTTCTCATTAC-3'
Protein context (NP_001728.1, residues 317-337): TTFVDDIKAL[Pro327Ser]TTYEKGEYFA

ClinVar aggregate classification (germline): Uncertain significance (1 of 4 stars; one submission).

gnomAD v4.1: 7 of 1,613,742 alleles (0.00043%); highest among the groups gnomAD compares: East Asian, 0.011%; no homozygotes.

Submission:

Labcorp Genetics (formerly Invitae), Labcorp
Classification: Uncertain significance. Last evaluated: 2022-06-08. Review status: criteria provided, single submitter. Criteria: Invitae Variant Classification Sherloc (09022015). Collection method: clinical testing. Allele origin: germline.
Comment: This variant has not been reported in the literature in individuals affected with C9-related conditions. In summary, the available evidence is currently insufficient to determine the role of this variant in disease. Therefore, it has been classified as a Variant of Uncertain Significance. Algorithms developed to predict the effect of missense changes on protein structure and function are either unavailable or do not agree on the potential impact of this missense change (SIFT: "Not Available"; PolyPhen-2: "Probably Damaging"; Align-GVGD: "Not Available"). This variant is present in population databases (rs189914025, gnomAD 0.02%). This sequence change replaces proline, which is neutral and non-polar, with serine, which is neutral and polar, at codon 327 of the C9 protein (p.Pro327Ser).